The following is an entry in ClinVar:

NM_005739.4(RASGRP1):c.101C>T (p.Pro34Leu)

Gene: RASGRP1 (RAS guanyl releasing protein 1; minus strand). Cytogenetic location: 15q14.
Variant type: single nucleotide variant.
Coding change: c.101C>T on transcript NM_005739.4 (MANE Select); coding-DNA position 101, C replaced by T.
Protein change: p.Pro34Leu; replaces proline 34 with leucine.
Molecular consequence: missense variant.
Genome position (GRCh38, 1-based): chr15:38,559,940, G>A on the plus strand (C>T on the coding strand, the complement: RASGRP1 is on the minus strand). VCF-style: chr15-38559940-G-A. GRCh37 (hg19) VCF-style: chr15-38852141-G-A.
Other names: c.101C>T, p.Pro34Leu (NM_001128602.2, NM_001306086.2); c.101C>T (NM_005739.3); short protein forms P34L.
Identifiers: ClinVar variation 2716185 (VCV002716185.3), dbSNP rs779526645, ClinGen allele CA7471203.

ClinVar aggregate classification (germline): Uncertain significance. Review status: criteria provided, multiple submitters, no conflicts (2 of 4 stars). 2 submissions from 2 submitters: Uncertain significance (2). Last evaluated 2025-10-01.

Allele frequency attached by ClinVar (database versions not stated): TOPMed 0.00002; ExAC 0.00003; gnomAD 0.00003; gnomAD exomes 0.00004.
gnomAD v4.1: 66 of 1,613,556 alleles (0.0041%); highest among the groups gnomAD compares: Non-Finnish European, 0.0051%; no homozygotes.

Submissions (2):

Labcorp Genetics (formerly Invitae), Labcorp
Classification: Uncertain significance. Last evaluated: 2025-10-01. Review status: criteria provided, single submitter. Criteria: Invitae Variant Classification Sherloc (09022015). Collection method: clinical testing. Allele origin: germline.
Comment: This sequence change replaces proline, which is neutral and non-polar, with leucine, which is neutral and non-polar, at codon 34 of the RASGRP1 protein (p.Pro34Leu). This variant is present in population databases (rs779526645, gnomAD 0.004%). This variant has not been reported in the literature in individuals affected with RASGRP1-related conditions. ClinVar contains an entry for this variant (Variation ID: 2716185). An algorithm developed to predict the effect of missense changes on protein structure and function (PolyPhen-2) suggests that this variant is likely to be tolerated. In summary, the available evidence is currently insufficient to determine the role of this variant in disease. Therefore, it has been classified as a Variant of Uncertain Significance.

Ambry Genetics
Classification: Uncertain significance. Last evaluated: 2024-07-30. Review status: criteria provided, single submitter. Criteria: Ambry Variant Classification Scheme 2023. Collection method: clinical testing. Allele origin: germline.